The following is an entry in ClinVar:

ClinVar aggregate classification (germline): Pathogenic (3 of 4 stars; one submission).

Conditions:
Phenylketonuria (PKU). Also called: FOLLING DISEASE; Phenylketonuria (PKU); OLIGOPHRENIA PHENYLPYRUVICA; Phenylketonurias. Identifiers: Orphanet 716, MedGen C0031485, MONDO:0009861, OMIM 261600. Disease mechanism: loss of function.

Submission:

ClinGen PAH Variant Curation Expert Panel
Classification: Pathogenic for Phenylketonuria. Last evaluated: 2019-08-11. Review status: reviewed by expert panel. Criteria: ClinGen PAH ACMG Specifications v1. Collection method: curation. Allele origin: germline. Inheritance: Autosomal recessive inheritance.
Comment: The PAH: c.30_31insC variant is a frameshift variant occurring in exon 1 of 13 in the canonical transcript of PAH, a gene fulfilling the most recent criteria for LOF being a known disease mechanism (see PMID: 30192042) (PVS1). BH4 deficiency was excluded by analysis of urinary pterins and dihydropteridine reductase activity in erythrocytes (PP4_Moderate). It is absent from control databases including ethnically matched individuals, including gnomAD/ExAC, 1000 Genomes, and ESP (PM2).

Literature cited by the submitters: PubMed 26322415; PubMed 26503515.

NM_000277.3(PAH):c.30dup (p.Arg13fs)

Gene: PAH (phenylalanine hydroxylase; minus strand). Cytogenetic location: 12q23.2.
Variant type: Duplication.
Coding change: c.30dup on transcript NM_000277.3 (MANE Select); coding-DNA position 30, one base duplicated (C; older notation c.30dupC).
Protein change: p.Arg13fs; shifts the reading frame from arginine 13.
Molecular consequence: frameshift variant.
Genome position (GRCh38, 1-based): chr12:102,917,101, G duplicated on the plus strand (C on the coding strand, the reverse complement: PAH is on the minus strand). VCF-style (leftmost placement, unchanged base first): chr12-102917100-A-AG. GRCh37 (hg19) VCF-style: chr12-103310878-A-AG.
Other names: c.30dup, p.Arg13fs (NM_001354304.2); short protein forms R13fs.
Identifiers: ClinVar variation 805800 (VCV000805800.1), dbSNP rs1592991220, ClinGen allele CA16020715.